The following is an entry in ClinVar:

ClinVar aggregate classification (germline): Uncertain significance (1 of 4 stars; one submission).

Submission:

Women's Health and Genetics/Laboratory Corporation of America, LabCorp
Classification: Uncertain significance. Last evaluated: 2025-10-28. Review status: criteria provided, single submitter. Criteria: LabCorp Variant Classification Summary - May 2015. Collection method: clinical testing. Allele origin: germline.
Comment: Variant summary: SMARCC2 c.876G>C (p.Lys292Asn) results in a non-conservative amino acid change in the encoded protein sequence. Algorithms developed to predict the effect of missense changes on protein structure and function are either unavailable or do not agree on the potential impact of this missense change. The variant was absent in 233316 control chromosomes. The available data on variant occurrences in the general population are insufficient to allow any conclusion about variant significance. To our knowledge, no occurrence of c.876G>C in individuals affected with SMARCC2-related conditions and no experimental evidence demonstrating its impact on protein function have been reported. No submitters have cited clinical-significance assessments for this variant to ClinVar. Based on the evidence outlined above, the variant was classified as uncertain significance.

NM_001330288.2(SMARCC2):c.876G>C (p.Lys292Asn)

Gene: SMARCC2 (SWI/SNF related BAF chromatin remodeling complex subunit C2; minus strand). Cytogenetic location: 12q13.2.
Variant type: single nucleotide variant.
Coding change: c.876G>C on transcript NM_001330288.2 (MANE Select); coding-DNA position 876, G replaced by C.
Protein change: p.Lys292Asn; replaces lysine 292 with asparagine.
Molecular consequence: missense variant.
Genome position (GRCh38, 1-based): chr12:56,181,562, C>G on the plus strand (G>C on the coding strand, the complement: SMARCC2 is on the minus strand). VCF-style: chr12-56181562-C-G. GRCh37 (hg19) VCF-style: chr12-56575346-C-G.
Other names: c.876G>C, p.Lys292Asn (NM_001130420.3, NM_003075.5, NM_139067.4); short protein forms K292N.
Identifiers: ClinVar variation 4687680 (VCV004687680.1).